The following is an entry in ClinVar:

NM_032447.5(FBN3):c.352T>C (p.Ser118Pro)

Gene: FBN3 (fibrillin 3; minus strand). Cytogenetic location: 19p13.2.
Variant type: single nucleotide variant.
Coding change: c.352T>C on transcript NM_032447.5 (MANE Select); coding-DNA position 352, T replaced by C.
Protein change: p.Ser118Pro; replaces serine 118 with proline.
Molecular consequence: missense variant.
Genome position (GRCh38, 1-based): chr19:8,145,936, A>G on the plus strand (T>C on the coding strand, the complement: FBN3 is on the minus strand). VCF-style: chr19-8145936-A-G. GRCh37 (hg19) VCF-style: chr19-8210820-A-G.
Other names: c.352T>C, p.Ser118Pro (NM_001321431.2); short protein forms S118P.
Identifiers: ClinVar variation 3625841 (VCV003625841.2).

ClinVar aggregate classification (germline): Uncertain significance (1 of 4 stars; one submission).

gnomAD v4.1: 2 of 1,550,450 alleles (0.00013%); highest among the groups gnomAD compares: Admixed American, 0.002%; no homozygotes.

Submission:

Labcorp Genetics (formerly Invitae), Labcorp
Classification: Uncertain significance. Last evaluated: 2024-10-04. Review status: criteria provided, single submitter. Criteria: Invitae Variant Classification Sherloc (09022015). Collection method: clinical testing. Allele origin: germline.
Comment: This sequence change replaces serine, which is neutral and polar, with proline, which is neutral and non-polar, at codon 118 of the FBN3 protein (p.Ser118Pro). This variant is present in population databases (no rsID available, gnomAD 0.004%). This variant has not been reported in the literature in individuals affected with FBN3-related conditions. An algorithm developed to predict the effect of missense changes on protein structure and function outputs the following: PolyPhen-2: "Benign". The proline amino acid residue is found in multiple mammalian species, which suggests that this missense change does not adversely affect protein function. In summary, the available evidence is currently insufficient to determine the role of this variant in disease. Therefore, it has been classified as a Variant of Uncertain Significance.